The following is an entry in ClinVar:

ClinVar aggregate classification (germline): Conflicting classifications of pathogenicity. Review status: criteria provided, conflicting classifications (1 of 4 stars). 9 submissions from 9 submitters: Uncertain significance (2); Likely benign (3). 4 of the submissions do not count toward it. Last evaluated 2025-12-15.

Conditions:
BEST1-related disorder. Also called: BEST1-related condition; BEST1-related disorders. Identifiers: MedGen CN239200.
Retinitis pigmentosa (RP). Identifiers: Orphanet 791, MedGen C0035334, MeSH D012174, MONDO:0019200, OMIM 268000. Inheritance: Autosomal dominant, autosomal recessive and X linked inheritance.

Allele frequency attached by ClinVar (database versions not stated): 1000 Genomes Project 0.00020; 1000 Genomes Project 30x 0.00031; ESP Exome Variant Server 0.00031; ExAC 0.00044; gnomAD 0.00047; TOPMed 0.00068.
gnomAD v4.1: 766 of 1,614,126 alleles (0.047%); highest among the groups gnomAD compares: Middle Eastern, 0.58%; 3 homozygotes.

Submissions (9):

Labcorp Genetics (formerly Invitae), Labcorp
Classification: Likely benign. Last evaluated: 2025-12-15. Review status: criteria provided, single submitter. Criteria: Invitae Variant Classification Sherloc (09022015). Collection method: clinical testing. Allele origin: germline.

Blueprint Genetics
Classification: Likely benign. Last evaluated: 2024-11-21. Review status: criteria provided, single submitter. Criteria: ACMG Guidelines, 2015. Collection method: clinical testing. Allele origin: germline.

CeGaT Center for Human Genetics Tuebingen
Classification: Uncertain significance. Last evaluated: 2020-09-01. Review status: criteria provided, single submitter. Criteria: CeGaT Center For Human Genetics Tuebingen Variant Classification Criteria Version 2. Collection method: clinical testing. Allele origin: germline. Affected: yes. Observed: 1 variant allele.

Illumina Laboratory Services, Illumina
Classification: Likely benign for Retinitis pigmentosa. Last evaluated: 2017-04-27. Review status: criteria provided, single submitter. Criteria: ICSL Variant Classification Criteria 13 December 2019. Collection method: clinical testing. Allele origin: germline.
Comment: This variant was observed as part of a predisposition screen in an ostensibly healthy population. A literature search was performed for the gene, cDNA change, and amino acid change (where applicable). No publications were found based on this search. Allele frequency data from public databases allowed determination this variant is unlikely to cause disease. Therefore, this variant is classified as likely benign.

Eurofins Ntd Llc (ga)
Classification: Uncertain significance. Last evaluated: 2016-11-11. Review status: criteria provided, single submitter. Criteria: EGL Classification Definitions 2015. Collection method: clinical testing. Allele origin: germline. Observed: 2 variant alleles, 2 heterozygotes.

PreventionGenetics, part of Exact Sciences
Classification: Likely benign for BEST1-related condition. Last evaluated: 2024-08-27. Review status: no assertion criteria provided. Collection method: clinical testing. Allele origin: germline. Not counted in ClinVar's aggregate classification.
Comment: This variant is classified as likely benign based on ACMG/AMP sequence variant interpretation guidelines (Richards et al. 2015 PMID: 25741868, with internal and published modifications).

Clinical Genetics DNA and cytogenetics Diagnostics Lab, Erasmus MC, Erasmus Medical Center
Classification: Likely benign. Review status: no assertion criteria provided. Collection method: clinical testing. Allele origin: germline. Affected: yes. Study: VKGL Data-share Consensus. Not counted in ClinVar's aggregate classification.

Diagnostic Laboratory, Department of Genetics, University Medical Center Groningen
Classification: Likely benign. Review status: no assertion criteria provided. Collection method: clinical testing. Allele origin: germline. Affected: yes. Study: VKGL Data-share Consensus. Not counted in ClinVar's aggregate classification.

Retina International
No classification provided. Review status: no classification provided. Collection method: not provided. Allele origin: not provided. Not counted in ClinVar's aggregate classification.

NM_004183.4(BEST1):c.1669G>A (p.Glu557Lys)

Gene: BEST1 (bestrophin 1; plus strand). Cytogenetic location: 11q12.3.
Variant type: single nucleotide variant.
Coding change: c.1669G>A on transcript NM_004183.4 (MANE Select); coding-DNA position 1669, G replaced by A.
Protein change: p.Glu557Lys; replaces glutamic acid 557 with lysine.
Molecular consequence: missense variant. On other transcripts: non-coding transcript variant (1).
Genome position (GRCh38, 1-based): chr11:61,962,823, G>A. VCF-style: chr11-61962823-G-A. GRCh37 (hg19) VCF-style: chr11-61730295-G-A.
Other names: c.697G>A, p.Glu233Lys (NM_001363593.3); c.1489G>A, p.Glu497Lys (NM_001139443.3, NM_001300787.2); c.1408G>A, p.Glu470Lys (NM_001300786.2); c.1351G>A, p.Glu451Lys (NM_001363591.3); c.*564G>A (NM_001363592.2); short protein forms E557K, E233K, E451K, E497K, E470K.
Identifiers: ClinVar variation 99684 (VCV000099684.61), dbSNP rs147192139, ClinGen allele CA227730.
Genomic context (GRCh38, chr11:61,962,823, plus strand): 5'-GTGGAGTTTAACCTGACGGATATGCCAGAGATCCCCGAAAATCACCTCAAAGAACCTTTG[G>A]AACAATCACCAACCAACATACACACTACACTCAAAGATCACATGGATCCTTATTGGGCCT-3'
Protein context (NP_004174.1, residues 547-567): IPENHLKEPL[Glu557Lys]QSPTNIHTTL